The following is an entry in ClinVar:

NM_000465.4(BARD1):c.393T>C (p.Ser131=)

Gene: BARD1 (BRCA1 associated RING domain 1; minus strand). Cytogenetic location: 2q35.
Variant type: single nucleotide variant.
Coding change: c.393T>C on transcript NM_000465.4 (MANE Select); coding-DNA position 393, T replaced by C.
Protein change: p.Ser131=; no amino-acid change (serine 131 retained).
Molecular consequence: synonymous variant. On other transcripts: non-coding transcript variant (2), intron variant (3).
Genome position (GRCh38, 1-based): chr2:214,781,481, A>G on the plus strand (T>C on the coding strand, the complement: BARD1 is on the minus strand). VCF-style: chr2-214781481-A-G. GRCh37 (hg19) VCF-style: chr2-215646205-A-G.
Other names: c.336T>C, p.Ser112= (NM_001282543.2); c.158+27931T>C (NM_001282548.2); c.215+15580T>C (NM_001282545.2); c.364+10816T>C (NM_001282549.2).
Identifiers: ClinVar variation 824402 (VCV000824402.5), dbSNP rs771412308, ClinGen allele CA431136817.

ClinVar aggregate classification (germline): Benign/Likely benign. Review status: criteria provided, multiple submitters, no conflicts (2 of 4 stars). 2 submissions from 2 submitters: Benign (1); Likely benign (1). Last evaluated 2024-07-19.

Conditions:
Hereditary cancer-predisposing syndrome. Also called: Neoplastic Syndromes, Hereditary; Tumor predisposition; Hereditary neoplastic syndrome; Hereditary Cancer Syndrome. Identifiers: Orphanet 140162, MedGen C0027672, MeSH D009386, MONDO:0015356.
Familial cancer of breast. Also called: BREAST CANCER, FAMILIAL; Hereditary breast cancer; hereditary breast carcinoma. Identifiers: Orphanet 227535, MedGen C0346153, MONDO:0016419, OMIM 114480. Disease mechanism: loss of function.

Submissions (2):

Myriad Genetics, Inc.
Classification: Benign for Familial cancer of breast. Last evaluated: 2024-07-19. Review status: criteria provided, single submitter. Criteria: Myriad Autosomal Dominant, Autosomal Recessive and X-Linked Classification Criteria (2023). Collection method: clinical testing. Allele origin: unknown.
Comment: This variant is considered benign. This variant is a silent/synonymous amino acid change and it is not expected to impact splicing.

Ambry Genetics
Classification: Likely benign for Hereditary cancer-predisposing syndrome. Last evaluated: 2018-02-19. Review status: criteria provided, single submitter. Criteria: Ambry Variant Classification Scheme 2023. Collection method: clinical testing. Allele origin: germline.